The following is an entry in ClinVar:

ClinVar aggregate classification (germline): Likely benign (1 of 4 stars; one submission).

Submission:

CeGaT Center for Human Genetics Tuebingen
Classification: Likely benign. Last evaluated: 2026-02-01. Review status: criteria provided, single submitter. Criteria: CeGaT Center For Human Genetics Tuebingen Variant Classification Criteria Version 2. Collection method: clinical testing. Allele origin: germline. Affected: yes. Observed: 1 variant allele.
Comment: PHF8: BP4, BS2

NM_015107.3(PHF8):c.-92-4C>T

Gene: PHF8 (PHD finger protein 8; minus strand). Cytogenetic location: Xp11.22.
Variant type: single nucleotide variant.
Coding change: c.-92-4C>T on transcript NM_015107.3 (MANE Select); 4 bases into the intron before 92 bases upstream of the start codon, C replaced by T.
Molecular consequence: intron variant.
Genome position (GRCh38, 1-based): chrX:54,042,824, G>A on the plus strand (C>T on the coding strand, the complement: PHF8 is on the minus strand). VCF-style: chrX-54042824-G-A. GRCh37 (hg19) VCF-style: chrX-54069257-G-A.
Other names: c.17-4C>T (NM_001441096.1, NM_001184896.1, NM_001441098.1 and 1 more transcripts); c.-92-4C>T (NM_001184897.2, NM_001184898.2).
Identifiers: ClinVar variation 4821640 (VCV004821640.4).